The following is an entry in ClinVar:

NM_177438.3(DICER1):c.2648T>C (p.Val883Ala)

Gene: DICER1 (dicer 1, ribonuclease III; minus strand). Cytogenetic location: 14q32.13.
Variant type: single nucleotide variant.
Coding change: c.2648T>C on transcript NM_177438.3 (MANE Select); coding-DNA position 2648, T replaced by C.
Protein change: p.Val883Ala; replaces valine 883 with alanine.
Molecular consequence: missense variant.
Genome position (GRCh38, 1-based): chr14:95,107,882, A>G on the plus strand (T>C on the coding strand, the complement: DICER1 is on the minus strand). VCF-style: chr14-95107882-A-G. GRCh37 (hg19) VCF-style: chr14-95574219-A-G.
Other names: c.2648T>C, p.Val883Ala (NM_001195573.1, NM_001271282.3, NM_001291628.2 and 1 more transcripts); short protein forms V883A.
Identifiers: ClinVar variation 1417089 (VCV001417089.9), dbSNP rs1164049706, ClinGen allele CA390881084.

ClinVar aggregate classification (germline): Uncertain significance (1 of 4 stars; one submission).

Conditions:
DICER1-related tumor predisposition. Also called: DICER1-related pleuropulmonary blastoma cancer predisposition syndrome; DICER1 syndrome. Identifiers: Orphanet 284343, MedGen C3839822, MONDO:0100216.

Allele frequency attached by ClinVar (database versions not stated): gnomAD exomes below 0.00001.

Submission:

Labcorp Genetics (formerly Invitae), Labcorp
Classification: Uncertain significance for DICER1-related tumor predisposition. Last evaluated: 2025-02-17. Review status: criteria provided, single submitter. Criteria: Invitae Variant Classification Sherloc (09022015). Collection method: clinical testing. Allele origin: germline.
Comment: This sequence change replaces valine, which is neutral and non-polar, with alanine, which is neutral and non-polar, at codon 883 of the DICER1 protein (p.Val883Ala). This variant is present in population databases (no rsID available, gnomAD 0.0009%). This variant has not been reported in the literature in individuals affected with DICER1-related conditions. ClinVar contains an entry for this variant (Variation ID: 1417089). Invitae Evidence Modeling of protein sequence and biophysical properties (such as structural, functional, and spatial information, amino acid conservation, physicochemical variation, residue mobility, and thermodynamic stability) indicates that this missense variant is not expected to disrupt DICER1 protein function with a negative predictive value of 95%. In summary, the available evidence is currently insufficient to determine the role of this variant in disease. Therefore, it has been classified as a Variant of Uncertain Significance.